The following is an entry in ClinVar:

NM_001025295.3(IFITM5):c.92C>T (p.Pro31Leu)

Gene: IFITM5 (interferon induced transmembrane protein 5; minus strand). Cytogenetic location: 11p15.5.
Variant type: single nucleotide variant.
Coding change: c.92C>T on transcript NM_001025295.3 (MANE Select); coding-DNA position 92, C replaced by T.
Protein change: p.Pro31Leu; replaces proline 31 with leucine.
Molecular consequence: missense variant.
Genome position (GRCh38, 1-based): chr11:299,399, G>A on the plus strand (C>T on the coding strand, the complement: IFITM5 is on the minus strand). VCF-style: chr11-299399-G-A. GRCh37 (hg19) VCF-style: chr11-299399-G-A.
Other names: short protein forms P31L.
Identifiers: ClinVar variation 3672533 (VCV003672533.2).

ClinVar aggregate classification (germline): Uncertain significance (1 of 4 stars; one submission).

gnomAD v4.1: 2 of 1,573,880 alleles (0.00013%); highest among the groups gnomAD compares: Non-Finnish European, 0.00017%; no homozygotes.

Submission:

Labcorp Genetics (formerly Invitae), Labcorp
Classification: Uncertain significance. Last evaluated: 2025-10-13. Review status: criteria provided, single submitter. Criteria: Invitae Variant Classification Sherloc (09022015). Collection method: clinical testing. Allele origin: germline.
Comment: This sequence change replaces proline, which is neutral and non-polar, with leucine, which is neutral and non-polar, at codon 31 of the IFITM5 protein (p.Pro31Leu). This variant is not present in population databases (gnomAD no frequency). This variant has not been reported in the literature in individuals affected with IFITM5-related conditions. ClinVar contains an entry for this variant (Variation ID: 3672533). An algorithm developed to predict the effect of missense changes on protein structure and function (PolyPhen-2) suggests that this variant is likely to be tolerated. In summary, the available evidence is currently insufficient to determine the role of this variant in disease. Therefore, it has been classified as a Variant of Uncertain Significance.